The following is an entry in ClinVar:

NM_001365276.2(TNXB):c.9043A>G (p.Lys3015Glu)

Gene: TNXB (tenascin XB; minus strand). Cytogenetic location: 6p21.33.
Variant type: single nucleotide variant.
Coding change: c.9043A>G on transcript NM_001365276.2 (MANE Select); coding-DNA position 9043, A replaced by G.
Protein change: p.Lys3015Glu; replaces lysine 3015 with glutamic acid.
Molecular consequence: missense variant.
Genome position (GRCh38, 1-based): chr6:32,052,742, T>C on the plus strand (A>G on the coding strand, the complement: TNXB is on the minus strand). VCF-style: chr6-32052742-T-C. GRCh37 (hg19) VCF-style: chr6-32020519-T-C.
Other names: c.9037A>G, p.Lys3013Glu (NM_019105.8); short protein forms K3015E, K3013E.
Identifiers: ClinVar variation 2610876 (VCV002610876.3), dbSNP rs775008596, ClinGen allele CA3733671.
Genomic context (GRCh38, chr6:32,052,742, plus strand): 5'-CAGCGGACACTGGGCCCACGCGCTGCCCCTCGTGGAGGCCGTACAGGTGCATCTTGTATT[T>C]GCACCCGGGCTCCAGGCCCCCCACGGTGACCTCGCTCTCCTCGCCCCTGACACGCACCAC-3'
Protein context (NP_001352205.1, residues 3005-3025): VTVGGLEPGC[Lys3015Glu]YKMHLYGLHE

ClinVar aggregate classification (germline): Uncertain significance (1 of 4 stars; one submission).

Conditions:
Cardiovascular phenotype. Identifiers: MedGen CN230736.

Allele frequency attached by ClinVar (database versions not stated): TOPMed below 0.00001; ExAC 0.00001; gnomAD 0.00001; gnomAD exomes 0.00002.
gnomAD v4.1: 31 of 1,613,700 alleles (0.0019%); highest among the groups gnomAD compares: Non-Finnish European, 0.0025%; no homozygotes.

Submission:

Ambry Genetics
Classification: Uncertain significance for Cardiovascular phenotype. Last evaluated: 2025-06-10. Review status: criteria provided, single submitter. Criteria: Ambry Variant Classification Scheme 2023. Collection method: clinical testing. Allele origin: germline.
Comment: The p.K3013E variant (also known as c.9037A>G), located in coding exon 25 of the TNXB gene, results from an A to G substitution at nucleotide position 9037. The lysine at codon 3013 is replaced by glutamic acid, an amino acid with similar properties. This amino acid position is conserved. In addition, this alteration is predicted to be tolerated by in silico analysis. Based on the available evidence, the clinical significance of this variant remains unclear.